The following is an entry in ClinVar:

ClinVar aggregate classification (germline): Uncertain significance (1 of 4 stars; one submission).

Submission:

Labcorp Genetics (formerly Invitae), Labcorp
Classification: Uncertain significance. Last evaluated: 2022-02-03. Review status: criteria provided, single submitter. Criteria: Invitae Variant Classification Sherloc (09022015). Collection method: clinical testing. Allele origin: germline.
Comment: ClinVar contains an entry for this variant (Variation ID: 955061). In summary, the available evidence is currently insufficient to determine the role of this variant in disease. Therefore, it has been classified as a Variant of Uncertain Significance. Experimental studies and prediction algorithms are not available or were not evaluated, and the functional significance of this variant is currently unknown. This variant has not been reported in the literature in individuals affected with ADGRV1-related conditions. Information on the frequency of this variant in the gnomAD database is not available, as this variant may be reported differently in the database. This sequence change replaces proline, which is neutral and non-polar, with serine, which is neutral and polar, at codon 2257 of the ADGRV1 protein (p.Pro2257Ser).

NM_032119.4(ADGRV1):c.6768_6769delinsTT (p.Pro2257Ser)

Gene: ADGRV1 (adhesion G protein-coupled receptor V1; plus strand). Cytogenetic location: 5q14.3.
Variant type: Indel.
Coding change: c.6768_6769delinsTT on transcript NM_032119.4 (MANE Select); coding-DNA positions 6768 to 6769, GC replaced by TT.
Protein change: p.Pro2257Ser; replaces proline 2257 with serine.
Molecular consequence: missense variant. On other transcripts: non-coding transcript variant (1).
Genome position (GRCh38, 1-based): chr5:90,690,858-90,690,859, GC replaced by TT. VCF-style: chr5-90690858-GC-TT. GRCh37 (hg19) VCF-style: chr5-89986675-GC-TT.
Other names: short protein forms P2257S.
Identifiers: ClinVar variation 955061 (VCV000955061.9), dbSNP rs1746374815, ClinGen allele CA1139658936.